The following is an entry in ClinVar:

ClinVar aggregate classification (germline): Benign. Review status: criteria provided, multiple submitters, no conflicts (2 of 4 stars). 2 submissions from 2 submitters: Benign (2). Last evaluated 2018-01-13.

Conditions:
Focal segmental glomerulosclerosis 5 (FSGS5). Identifiers: Orphanet 656, MedGen C2750475, MONDO:0013191, OMIM 613237.

Allele frequency attached by ClinVar (database versions not stated): ExAC 0.00128.

Submissions (2):

Illumina Laboratory Services, Illumina
Classification: Benign for Focal segmental glomerulosclerosis 5. Last evaluated: 2018-01-13. Review status: criteria provided, single submitter. Criteria: ICSL Variant Classification Criteria 13 December 2019. Collection method: clinical testing. Allele origin: germline.
Comment: This variant was observed in the ICSL laboratory as part of a predisposition screen in an ostensibly healthy population. It had not been previously curated by ICSL or reported in the Human Gene Mutation Database (HGMD: prior to June 1st, 2018), and was therefore a candidate for classification through an automated scoring system. Utilizing variant allele frequency, disease prevalence and penetrance estimates, and inheritance mode, an automated score was calculated to assess if this variant is too frequent to cause the disease. Based on the score and internal cut-off values, a variant classified as benign is not then subjected to further curation. The score for this variant resulted in a classification of benign for this disease.

Breakthrough Genomics
Classification: Benign. Review status: criteria provided, single submitter. Criteria: ACMG Guidelines, 2015. Collection method: not provided. Allele origin: germline. Inheritance: Autosomal dominant inheritance. Affected: yes.

NM_022489.4(INF2):c.1275A>C (p.Pro425=)

Gene: INF2 (inverted formin 2; plus strand). Cytogenetic location: 14q32.33.
Variant type: single nucleotide variant.
Coding change: c.1275A>C on transcript NM_022489.4 (MANE Select); coding-DNA position 1275, A replaced by C.
Protein change: p.Pro425=; no amino-acid change (proline 425 retained).
Molecular consequence: synonymous variant.
Genome position (GRCh38, 1-based): chr14:104,707,542, A>C. VCF-style: chr14-104707542-A-C. GRCh37 (hg19) VCF-style: chr14-105173879-A-C.
Other names: c.1275A>C, p.Pro425= (NM_001031714.4).
Identifiers: ClinVar variation 882386 (VCV000882386.5), dbSNP rs760828390, ClinGen allele CA7372544.